The following is an entry in ClinVar:

ClinVar aggregate classification (germline): Uncertain significance (1 of 4 stars; one submission).

Allele frequency attached by ClinVar (database versions not stated): TOPMed 0.00002.

Submission:

GeneDx
Classification: Uncertain significance. Last evaluated: 2020-07-14. Review status: criteria provided, single submitter. Criteria: GeneDx Variant Classification Process June 2021. Collection method: clinical testing. Allele origin: germline. Affected: yes.
Comment: Not observed in large population cohorts (Lek et al., 2016); In silico analysis supports that this missense variant has a deleterious effect on protein structure/function; Has not been previously published as pathogenic or benign to our knowledge

NM_022101.4(STEEP1):c.509A>C (p.Glu170Ala)

Gene: STEEP1 (STING1 ER exit protein 1; minus strand). Cytogenetic location: Xq24.
Variant type: single nucleotide variant.
Coding change: c.509A>C on transcript NM_022101.4 (MANE Select); coding-DNA position 509, A replaced by C.
Protein change: p.Glu170Ala; replaces glutamic acid 170 with alanine.
Molecular consequence: missense variant.
Genome position (GRCh38, 1-based): chrX:119,542,509, T>G on the plus strand (A>C on the coding strand, the complement: STEEP1 is on the minus strand). VCF-style: chrX-119542509-T-G. GRCh37 (hg19) VCF-style: chrX-118676472-T-G.
Other names: c.362A>C, p.Glu121Ala (NM_001170569.1); c.467A>C, p.Glu156Ala (NM_001170570.2); short protein forms E121A, E156A, E170A.
Identifiers: ClinVar variation 1205716 (VCV001205716.3), dbSNP rs2053171779, ClinGen allele CA414371764.